The following is an entry in ClinVar:

ClinVar aggregate classification (germline): Likely pathogenic (1 of 4 stars; one submission).

Submission:

Athena Diagnostics
Classification: Likely pathogenic. Last evaluated: 2024-09-18. Review status: criteria provided, single submitter. Criteria: Athena Diagnostics Criteria. Collection method: clinical testing. Allele origin: unknown.
Comment: This variant is expected to result in the loss of a functional protein. The frequency of this variant in the general population is consistent with pathogenicity.

NM_015046.7(SETX):c.5406del (p.Gln1802fs)

Gene: SETX (senataxin; minus strand). Cytogenetic location: 9q34.13.
Variant type: Deletion.
Coding change: c.5406del on transcript NM_015046.7 (MANE Select); coding-DNA position 5406, one base deleted (G; older notation c.5406delG).
Protein change: p.Gln1802fs; shifts the reading frame from glutamine 1802.
Molecular consequence: frameshift variant.
Genome position (GRCh38, 1-based): chr9:132,300,772, C deleted on the plus strand (G on the coding strand, the reverse complement: SETX is on the minus strand). VCF-style (leftmost placement, unchanged base first): chr9-132300771-GC-G. GRCh37 (hg19) VCF-style: chr9-135176158-GC-G.
Other names: c.5406del, p.Gln1802fs (NM_001351527.2, NM_001351528.2); c.5406delG, p.Gln1802Hisfs (NM_015046.5); short protein forms Q1802fs.
Identifiers: ClinVar variation 3571500 (VCV003571500.1).